The following is an entry in ClinVar:

NM_000051.4(ATM):c.1205A>C (p.Lys402Thr)

Gene: ATM (ATM serine/threonine kinase; plus strand). Cytogenetic location: 11q22.3.
Variant type: single nucleotide variant.
Coding change: c.1205A>C on transcript NM_000051.4 (MANE Select); coding-DNA position 1205, A replaced by C.
Protein change: p.Lys402Thr; replaces lysine 402 with threonine.
Molecular consequence: missense variant.
Genome position (GRCh38, 1-based): chr11:108,249,072, A>C. VCF-style: chr11-108249072-A-C. GRCh37 (hg19) VCF-style: chr11-108119799-A-C.
Other names: c.1205A>C, p.Lys402Thr (NM_001351834.2); short protein forms K402T.
Identifiers: ClinVar variation 818591 (VCV000818591.13), dbSNP rs1591518138, ClinGen allele CA382532604.
Genomic context (GRCh38, chr11:108,249,072, plus strand): 5'-TCCCTTGCAAAAGGAAGAAAATAGAACTAGGCTGGGAAGTAATAAAAGATCACCTTCAGA[A>C]GTCACAGAATGATTTTGATCTTGTGCCTTGGTAAAGTGTTACCATTTTCTCATTCAGTGT-3'
Protein context (NP_000042.3, residues 392-412): GWEVIKDHLQ[Lys402Thr]SQNDFDLVPW

ClinVar aggregate classification (germline): Uncertain significance. Review status: criteria provided, multiple submitters, no conflicts (2 of 4 stars). 2 submissions from 2 submitters: Uncertain significance (2). Last evaluated 2023-01-14.

Conditions:
Hereditary cancer-predisposing syndrome. Also called: Hereditary Cancer Syndrome; Neoplastic Syndromes, Hereditary; Hereditary neoplastic syndrome; Tumor predisposition. Identifiers: Orphanet 140162, MedGen C0027672, MeSH D009386, MONDO:0015356.
Ataxia-telangiectasia syndrome (AT). Also called: Cerebello-oculocutaneous telangiectasia; Immunodeficiency with ataxia telangiectasia; Ataxia-telangiectasia, complementation group E; Ataxia-telangiectasia, complementation group D; AT, COMPLEMENTATION GROUP C; ATAXIA-TELANGIECTASIA, COMPLEMENTATION GROUP A. Identifiers: Orphanet 100, MedGen C0004135, MONDO:0008840, OMIM 208900.

Submissions (2):

Labcorp Genetics (formerly Invitae), Labcorp
Classification: Uncertain significance for Ataxia-telangiectasia syndrome. Last evaluated: 2023-01-14. Review status: criteria provided, single submitter. Criteria: Invitae Variant Classification Sherloc (09022015). Collection method: clinical testing. Allele origin: germline.
Comment: In summary, the available evidence is currently insufficient to determine the role of this variant in disease. Therefore, it has been classified as a Variant of Uncertain Significance. Algorithms developed to predict the effect of missense changes on protein structure and function (SIFT, PolyPhen-2, Align-GVGD) all suggest that this variant is likely to be tolerated. ClinVar contains an entry for this variant (Variation ID: 818591). This variant has not been reported in the literature in individuals affected with ATM-related conditions. This variant is not present in population databases (gnomAD no frequency). This sequence change replaces lysine, which is basic and polar, with threonine, which is neutral and polar, at codon 402 of the ATM protein (p.Lys402Thr).

Ambry Genetics
Classification: Uncertain significance for Hereditary cancer-predisposing syndrome. Last evaluated: 2017-12-27. Review status: criteria provided, single submitter. Criteria: Ambry Variant Classification Scheme 2023. Collection method: clinical testing. Allele origin: germline.
Comment: The p.K402T variant (also known as c.1205A>C), located in coding exon 8 of the ATM gene, results from an A to C substitution at nucleotide position 1205. The lysine at codon 402 is replaced by threonine, an amino acid with similar properties. This amino acid position is not well conserved in available vertebrate species. In addition, this alteration is predicted to be tolerated by in silico analysis. Since supporting evidence is limited at this time, the clinical significance of this alteration remains unclear.